The following is an entry in ClinVar:

ClinVar aggregate classification (germline): Uncertain significance. Review status: criteria provided, multiple submitters, no conflicts (2 of 4 stars). 2 submissions from 2 submitters: Uncertain significance (2). Last evaluated 2025-08-01.

Allele frequency attached by ClinVar (database versions not stated): gnomAD 0.00002; ESP Exome Variant Server 0.00015.
gnomAD v4.1: 16 of 1,614,144 alleles (0.00099%); highest among the groups gnomAD compares: African/African-American, 0.021%; no homozygotes.

Submissions (2):

Ambry Genetics
Classification: Uncertain significance. Last evaluated: 2025-08-01. Review status: criteria provided, single submitter. Criteria: Ambry Variant Classification Scheme 2023. Collection method: clinical testing. Allele origin: germline.

Labcorp Genetics (formerly Invitae), Labcorp
Classification: Uncertain significance. Last evaluated: 2022-08-16. Review status: criteria provided, single submitter. Criteria: Invitae Variant Classification Sherloc (09022015). Collection method: clinical testing. Allele origin: germline.
Comment: This sequence change replaces alanine, which is neutral and non-polar, with glutamic acid, which is acidic and polar, at codon 23 of the DNAJC17 protein (p.Ala23Glu). This variant is present in population databases (rs147737352, gnomAD 0.03%). In summary, the available evidence is currently insufficient to determine the role of this variant in disease. Therefore, it has been classified as a Variant of Uncertain Significance. Algorithms developed to predict the effect of missense changes on protein structure and function (SIFT, PolyPhen-2, Align-GVGD) all suggest that this variant is likely to be tolerated. This variant has not been reported in the literature in individuals affected with DNAJC17-related conditions.

NM_018163.3(DNAJC17):c.68C>A (p.Ala23Glu)

Genes: DNAJC17 (DnaJ heat shock protein family (Hsp40) member C17; minus strand), ZFYVE19 (zinc finger FYVE-type containing 19; plus strand). Cytogenetic location: 15q15.1.
Variant type: single nucleotide variant.
Coding change: c.68C>A on transcript NM_018163.3 (MANE Select); coding-DNA position 68, C replaced by A.
Protein change: p.Ala23Glu; replaces alanine 23 with glutamic acid.
Molecular consequence: missense variant. On other transcripts: 5 prime UTR variant (3).
Genome position (GRCh38, 1-based): chr15:40,807,379, G>T on the plus strand (C>A on the coding strand, the complement: DNAJC17 is on the minus strand). VCF-style: chr15-40807379-G-T. GRCh37 (hg19) VCF-style: chr15-41099577-G-T.
Other names: c.68C>A (NM_018163.2); c.-211G>T (NM_001077268.2, NM_001258420.2); c.-539G>T (NM_001258421.2); c.91G>T, p.Ala31Ser (NM_032850.5); short protein forms A31S, A23E.
Identifiers: ClinVar variation 1939944 (VCV001939944.6), dbSNP rs147737352, ClinGen allele CA7485369.
Genomic context (GRCh38, chr15:40,807,379, plus strand): 5'-GAAGGACCGCCAGACCTCTCAAGATCAGCCTTCCTCGCCACCGTTCTCACCTCTTTGTCC[G>T]CTGCCTTCTCCTCAATGCCTAGCAGCGCGTACAGGTCCATCTGTAAGAGCTCCTTGGTCA-3'
Protein context (NP_060633.1, residues 13-33): YALLGIEEKA[Ala23Glu]DKEVKKAYRQ